The following is an entry in ClinVar:

NM_006914.4(RORB):c.1304C>T (p.Pro435Leu)

Genes: RORB (RAR related orphan receptor B; plus strand), LOC124310566 (Sharpr-MPRA regulatory region 9792; plus strand). Cytogenetic location: 9q21.13.
Variant type: single nucleotide variant.
Coding change: c.1304C>T on transcript NM_006914.4 (MANE Select); coding-DNA position 1304, C replaced by T.
Protein change: p.Pro435Leu; replaces proline 435 with leucine.
Molecular consequence: missense variant.
Genome position (GRCh38, 1-based): chr9:74,685,542, C>T. VCF-style: chr9-74685542-C-T. GRCh37 (hg19) VCF-style: chr9-77300458-C-T.
Other names: c.1337C>T, p.Pro446Leu (NM_001365023.1); short protein forms P435L, P446L.
Identifiers: ClinVar variation 4976131 (VCV004976131.1).

ClinVar aggregate classification (germline): Uncertain significance (1 of 4 stars; one submission).

Submission:

GeneDx
Classification: Uncertain significance. Last evaluated: 2026-02-07. Review status: criteria provided, single submitter. Criteria: GeneDx Variant Classification Process June 2021. Collection method: clinical testing. Allele origin: germline.
Comment: Not observed at significant frequency in large population cohorts (gnomAD); In silico analysis supports that this missense variant has a deleterious effect on protein structure/function; Has not been previously published as pathogenic or benign to our knowledge